The following is an entry in ClinVar:

ClinVar aggregate classification (germline): Pathogenic (1 of 4 stars; one submission).

Submission:

CeGaT Center for Human Genetics Tuebingen
Classification: Pathogenic. Last evaluated: 2024-03-01. Review status: criteria provided, single submitter. Criteria: CeGaT Center For Human Genetics Tuebingen Variant Classification Criteria Version 2. Collection method: clinical testing. Allele origin: germline. Affected: yes. Observed: 1 variant allele.
Comment: PPM1D: PS2, PVS1:Strong, PM2

NM_003620.4(PPM1D):c.1275del (p.Pro426fs)

Gene: PPM1D (protein phosphatase, Mg2+/Mn2+ dependent 1D; plus strand). Cytogenetic location: 17q23.2.
Variant type: Deletion.
Coding change: c.1275del on transcript NM_003620.4 (MANE Select); coding-DNA position 1275, one base deleted (T; older notation c.1275delT).
Protein change: p.Pro426fs; shifts the reading frame from proline 426.
Molecular consequence: frameshift variant.
Genome position (GRCh38, 1-based): chr17:60,663,009, T deleted. VCF-style (leftmost placement, unchanged base first): chr17-60663008-AT-A. GRCh37 (hg19) VCF-style: chr17-58740369-AT-A.
Other names: short protein forms P426fs.
Identifiers: ClinVar variation 3067690 (VCV003067690.21), dbSNP rs2544469783, ClinGen allele CA2576343454.